The following is an entry in ClinVar:

ClinVar aggregate classification (germline): Benign/Likely benign. Review status: criteria provided, multiple submitters, no conflicts (2 of 4 stars). 3 submissions from 3 submitters: Benign (1); Likely benign (1). 1 of the submissions does not count toward it. Last evaluated 2026-09-01.

Conditions:
PPP2R1A-related disorder.

Allele frequency attached by ClinVar (database versions not stated): 1000 Genomes Project 30x 0.00031; 1000 Genomes Project 0.00040; ESP Exome Variant Server 0.00131; TOPMed 0.00147; gnomAD 0.00155 and 0.00159; gnomAD exomes 0.00168 and 0.00193; ExAC 0.00181.

Submissions (3):

CeGaT Center for Human Genetics Tuebingen
Classification: Likely benign. Last evaluated: 2026-09-01. Review status: criteria provided, single submitter. Criteria: CeGaT Center For Human Genetics Tuebingen Variant Classification Criteria Version 2. Collection method: clinical testing. Allele origin: germline. Affected: yes. Observed: 16 variant alleles.
Comment: PPP2R1A: PP2, BS1

Labcorp Genetics (formerly Invitae), Labcorp
Classification: Benign. Last evaluated: 2026-02-02. Review status: criteria provided, single submitter. Criteria: Invitae Variant Classification Sherloc (09022015). Collection method: clinical testing. Allele origin: germline.

PreventionGenetics, part of Exact Sciences
Classification: Benign for PPP2R1A-related condition. Last evaluated: 2019-05-31. Review status: no assertion criteria provided. Collection method: clinical testing. Allele origin: germline. Not counted in ClinVar's aggregate classification.
Comment: This variant is classified as benign based on ACMG/AMP sequence variant interpretation guidelines (Richards et al. 2015 PMID: 25741868, with internal and published modifications).

NM_014225.6(PPP2R1A):c.259C>T (p.His87Tyr)

Gene: PPP2R1A (protein phosphatase 2 scaffold subunit Aalpha; plus strand). Cytogenetic location: 19q13.41.
Variant type: single nucleotide variant.
Coding change: c.259C>T on transcript NM_014225.6 (MANE Select); coding-DNA position 259, C replaced by T.
Protein change: p.His87Tyr; replaces histidine 87 with tyrosine.
Molecular consequence: missense variant. On other transcripts: 5 prime UTR variant (1).
Genome position (GRCh38, 1-based): chr19:52,206,052, C>T. VCF-style: chr19-52206052-C-T. GRCh37 (hg19) VCF-style: chr19-52709305-C-T.
Other names: c.-279C>T (NM_001363656.2); short protein forms H87Y.
Identifiers: ClinVar variation 717496 (VCV000717496.35), dbSNP rs144146832, ClinGen allele CA9621290.